The following is an entry in ClinVar:

NM_015102.5(NPHP4):c.4046G>A (p.Arg1349Lys)

Gene: NPHP4 (nephrocystin 4; minus strand). Cytogenetic location: 1p36.31.
Variant type: single nucleotide variant.
Coding change: c.4046G>A on transcript NM_015102.5 (MANE Select); coding-DNA position 4046, G replaced by A.
Protein change: p.Arg1349Lys; replaces arginine 1349 with lysine.
Molecular consequence: missense variant. On other transcripts: non-coding transcript variant (1).
Genome position (GRCh38, 1-based): chr1:5,863,984, C>T on the plus strand (G>A on the coding strand, the complement: NPHP4 is on the minus strand). VCF-style: chr1-5863984-C-T. GRCh37 (hg19) VCF-style: chr1-5924044-C-T.
Other names: c.2507G>A, p.Arg836Lys (NM_001291593.2); c.2510G>A, p.Arg837Lys (NM_001291594.2); short protein forms R1349K, R836K, R837K.
Identifiers: ClinVar variation 1052230 (VCV001052230.6), dbSNP rs2100373812, ClinGen allele CA338049113.

ClinVar aggregate classification (germline): Uncertain significance (1 of 4 stars; one submission).

Conditions:
Nephronophthisis. Also called: Juvenile Nephronophthisis. Identifiers: Orphanet 655, MedGen C0687120, MONDO:0019005, HP:0000090.

Allele frequency attached by ClinVar (database versions not stated): gnomAD exomes below 0.00001.
gnomAD v4.1: 1 of 1,613,804 alleles (0.000062%); highest among the groups gnomAD compares: African/African-American, 0.0013%; no homozygotes.

Submission:

Labcorp Genetics (formerly Invitae), Labcorp
Classification: Uncertain significance for Nephronophthisis. Last evaluated: 2021-08-26. Review status: criteria provided, single submitter. Criteria: Invitae Variant Classification Sherloc (09022015). Collection method: clinical testing. Allele origin: germline.
Comment: This sequence change replaces arginine with lysine at codon 1349 of the NPHP4 protein (p.Arg1349Lys). The arginine residue is highly conserved and there is a small physicochemical difference between arginine and lysine. This variant is not present in population databases (ExAC no frequency). This variant has not been reported in the literature in individuals affected with NPHP4-related conditions. Algorithms developed to predict the effect of missense changes on protein structure and function output the following: SIFT: "Tolerated"; PolyPhen-2: "Benign"; Align-GVGD: "Class C0". The lysine amino acid residue is found in multiple mammalian species, which suggests that this missense change does not adversely affect protein function. In summary, the available evidence is currently insufficient to determine the role of this variant in disease. Therefore, it has been classified as a Variant of Uncertain Significance.